The following is an entry in ClinVar:

NM_004239.4(TRIP11):c.1952T>C (p.Val651Ala)

Gene: TRIP11 (thyroid hormone receptor interactor 11; minus strand). Cytogenetic location: 14q32.12.
Variant type: single nucleotide variant.
Coding change: c.1952T>C on transcript NM_004239.4 (MANE Select); coding-DNA position 1952, T replaced by C.
Protein change: p.Val651Ala; replaces valine 651 with alanine.
Molecular consequence: missense variant.
Genome position (GRCh38, 1-based): chr14:92,006,024, A>G on the plus strand (T>C on the coding strand, the complement: TRIP11 is on the minus strand). VCF-style: chr14-92006024-A-G. GRCh37 (hg19) VCF-style: chr14-92472368-A-G.
Other names: c.1949T>C, p.Val650Ala (NM_001321851.1); c.1952T>C (NM_004239.3); short protein forms V651A, V650A.
Identifiers: ClinVar variation 597741 (VCV000597741.23), dbSNP rs35991093, ClinGen allele CA7313853.

ClinVar aggregate classification (germline): Conflicting classifications of pathogenicity. Review status: criteria provided, conflicting classifications (1 of 4 stars). 5 submissions from 5 submitters: Uncertain significance (3); Likely benign (2). Last evaluated 2026-09-25.

Conditions:
Achondrogenesis, type IA (ACG1A). Identifiers: Orphanet 932, Orphanet 93299, MedGen C0265273, MONDO:0008701, OMIM 200600.
Inborn genetic diseases. Identifiers: MedGen C0950123, MeSH D030342.

Allele frequency attached by ClinVar (database versions not stated): gnomAD exomes 0.00006 and 0.00016; ESP Exome Variant Server 0.00031; gnomAD 0.00064 and 0.00068; 1000 Genomes Project 0.00080; 1000 Genomes Project 30x 0.00109; ExAC 0.00018; TOPMed 0.00077.
gnomAD v4.1: 191 of 1,586,628 alleles (0.012%); highest among the groups gnomAD compares: African/African-American, 0.23%; 1 homozygote.

Submissions (5):

GeneDx
Classification: Uncertain significance. Last evaluated: 2026-09-25. Review status: criteria provided, single submitter. Criteria: GeneDx Variant Classification Process June 2021. Collection method: clinical testing. Allele origin: germline.
Comment: In silico analysis suggests that this missense variant does not alter protein structure/function; Has not been previously published as pathogenic or benign to our knowledge

Labcorp Genetics (formerly Invitae), Labcorp
Classification: Likely benign for Achondrogenesis, type IA. Last evaluated: 2026-02-03. Review status: criteria provided, single submitter. Criteria: Invitae Variant Classification Sherloc (09022015). Collection method: clinical testing. Allele origin: germline.

Ambry Genetics
Classification: Uncertain significance for Inborn genetic diseases. Last evaluated: 2025-03-20. Review status: criteria provided, single submitter. Criteria: Ambry Variant Classification Scheme 2023. Collection method: clinical testing. Allele origin: germline.

Blueprint Genetics
Classification: Likely benign. Last evaluated: 2024-08-06. Review status: criteria provided, single submitter. Criteria: ACMG Guidelines, 2015. Collection method: clinical testing. Allele origin: germline.

Eurofins Ntd Llc (ga)
Classification: Uncertain significance. Last evaluated: 2018-07-03. Review status: criteria provided, single submitter. Criteria: EGL ClinVar v180209 classification definitions. Collection method: clinical testing. Allele origin: germline. Observed: 1 variant allele, 1 heterozygote.